The following is an entry in ClinVar:

ClinVar aggregate classification (germline): Uncertain significance. Review status: criteria provided, multiple submitters, no conflicts (2 of 4 stars). 2 submissions from 2 submitters: Uncertain significance (2). Last evaluated 2024-04-25.

Allele frequency attached by ClinVar (database versions not stated): gnomAD 0.00001; gnomAD exomes 0.00001; ExAC 0.00002.
gnomAD v4.1: 18 of 1,613,350 alleles (0.0011%); highest among the groups gnomAD compares: Non-Finnish European, 0.00017%; no homozygotes.

Submissions (2):

Women's Health and Genetics/Laboratory Corporation of America, LabCorp
Classification: Uncertain significance. Last evaluated: 2024-04-25. Review status: criteria provided, single submitter. Criteria: LabCorp Variant Classification Summary - May 2015. Collection method: clinical testing. Allele origin: germline.
Comment: Variant summary: SLC20A2 c.581A>G (p.Asn194Ser) results in a conservative amino acid change in the encoded protein sequence. Three of five in-silico tools predict a damaging effect of the variant on protein function. The variant allele was found at a frequency of 8e-06 in 250856 control chromosomes. The available data on variant occurrences in the general population are insufficient to allow any conclusion about variant significance. c.581A>G has been reported in the literature in an individual affected with Idiopathic Basal Ganglia Calcification (Nicolas_2013). These data do not allow any conclusion about variant significance. At least one publication reports experimental evidence evaluating an impact on protein function showing that expression and localization were similar to WT (Lopez-Sanchez_2020). The following publications have been ascertained in the context of this evaluation (PMID: 32393577, 24065723). No submitters have cited clinical-significance assessments for this variant to ClinVar. Based on the evidence outlined above, the variant was classified as uncertain significance.

Blueprint Genetics
Classification: Uncertain significance. Last evaluated: 2023-04-03. Review status: criteria provided, single submitter. Criteria: ACMG Guidelines, 2015. Collection method: clinical testing. Allele origin: germline.

Literature cited by the submitters: PubMed 32393577 (cited by Women's Health and Genetics/Laboratory Corporation of America, LabCorp); PubMed 24065723 (cited by Women's Health and Genetics/Laboratory Corporation of America, LabCorp).

NM_001257180.2(SLC20A2):c.581A>G (p.Asn194Ser)

Gene: SLC20A2 (solute carrier family 20 member 2; minus strand). Cytogenetic location: 8p11.21.
Variant type: single nucleotide variant.
Coding change: c.581A>G on transcript NM_001257180.2 (MANE Select); coding-DNA position 581, A replaced by G.
Protein change: p.Asn194Ser; replaces asparagine 194 with serine.
Molecular consequence: missense variant.
Genome position (GRCh38, 1-based): chr8:42,459,928, T>C on the plus strand (A>G on the coding strand, the complement: SLC20A2 is on the minus strand). VCF-style: chr8-42459928-T-C. GRCh37 (hg19) VCF-style: chr8-42317446-T-C.
Other names: c.581A>G, p.Asn194Ser (NM_001257181.2, NM_006749.5); short protein forms N194S.
Identifiers: ClinVar variation 3251694 (VCV003251694.2), dbSNP rs748252183.
Genomic context (GRCh38, chr8:42,459,928, plus strand): 5'-CTGGAGTATGCTTCCAAGGGATCCTTACCTGGTGCTCCTGTGTACATGATGGAAAAGACA[T>C]TGATTGCTATGGTAGCAGCATAGAATACTGGGAGTGCCCGGAGGCCATTGGGAACAGGGT-3'
Protein context (NP_001244109.1, residues 184-204): PVFYAATIAI[Asn194Ser]VFSIMYTGAP